The following is an entry in ClinVar:

ClinVar aggregate classification (germline): Pathogenic (1 of 4 stars; one submission).

Submission:

Labcorp Genetics (formerly Invitae), Labcorp
Classification: Pathogenic. Last evaluated: 2020-02-29. Review status: criteria provided, single submitter. Criteria: Invitae Variant Classification Sherloc (09022015). Collection method: clinical testing. Allele origin: germline.
Comment: This sequence change creates a premature translational stop signal (p.Gly40*) in the COL4A4 gene. It is expected to result in an absent or disrupted protein product. This variant is not present in population databases (ExAC no frequency). This variant has not been reported in the literature in individuals with COL4A4-related conditions. Loss-of-function variants in COL4A4 are known to be pathogenic (PMID: 19129241, 21196518, 24052634, 24522496, 24854265, 25307543, 26809805, 27281700). For these reasons, this variant has been classified as Pathogenic.

Literature cited by the submitters: PubMed 19129241; PubMed 21196518; PubMed 24052634; PubMed 24522496; PubMed 24854265; PubMed 25307543; PubMed 26809805; PubMed 27281700.

NM_000092.5(COL4A4):c.118G>T (p.Gly40Ter)

Gene: COL4A4 (collagen type IV alpha 4 chain; minus strand). Cytogenetic location: 2q36.3.
Variant type: single nucleotide variant.
Coding change: c.118G>T on transcript NM_000092.5 (MANE Select); coding-DNA position 118, G replaced by T.
Protein change: p.Gly40Ter; replaces glycine 40 with a stop codon.
Molecular consequence: nonsense.
Genome position (GRCh38, 1-based): chr2:227,140,235, C>A on the plus strand (G>T on the coding strand, the complement: COL4A4 is on the minus strand). VCF-style: chr2-227140235-C-A. GRCh37 (hg19) VCF-style: chr2-228004951-C-A.
Other names: short protein forms G40*.
Identifiers: ClinVar variation 1068523 (VCV001068523.7), dbSNP rs2125292585, ClinGen allele CA350866605.